The following is an entry in ClinVar:

ClinVar aggregate classification (germline): Likely benign (1 of 4 stars; one submission).

Conditions:
PLXNA2-related disorder. Also called: PLXNA2-related condition.

gnomAD v4.1: 7 of 1,614,120 alleles (0.00043%); highest among the groups gnomAD compares: African/African-American, 0.0053%; no homozygotes.

Submission:

PreventionGenetics, part of Exact Sciences
Classification: Likely benign for PLXNA2-related condition. Last evaluated: 2025-01-28. Review status: criteria provided, single submitter. Criteria: ACMG Guidelines, 2015. Collection method: clinical testing. Allele origin: germline.
Comment: This variant is classified as likely benign based on ACMG/AMP sequence variant interpretation guidelines (Richards et al. 2015 PMID: 25741868, with internal and published modifications).

NM_025179.4(PLXNA2):c.4266C>T (p.His1422=)

Gene: PLXNA2 (plexin A2; minus strand). Cytogenetic location: 1q32.2.
Variant type: single nucleotide variant.
Coding change: c.4266C>T on transcript NM_025179.4 (MANE Select); coding-DNA position 4266, C replaced by T.
Protein change: p.His1422=; no amino-acid change (histidine 1422 retained).
Molecular consequence: synonymous variant.
Genome position (GRCh38, 1-based): chr1:208,042,118, G>A on the plus strand (C>T on the coding strand, the complement: PLXNA2 is on the minus strand). VCF-style: chr1-208042118-G-A. GRCh37 (hg19) VCF-style: chr1-208215463-G-A.
Identifiers: ClinVar variation 4978076 (VCV004978076.1).